The following is an entry in ClinVar:

ClinVar aggregate classification (germline): Likely benign (1 of 4 stars; one submission).

Allele frequency attached by ClinVar (database versions not stated): 1000 Genomes Project 30x 0.00906; 1000 Genomes Project 0.00919; gnomAD 0.01134 and 0.01222; TOPMed 0.01289.
gnomAD v4.1: 1,708 of 152,110 alleles (1.1%); highest among the groups gnomAD compares: African/African-American, 4%; 34 homozygotes.

Submission:

GeneDx
Classification: Likely benign. Last evaluated: 2018-06-16. Review status: criteria provided, single submitter. Criteria: GeneDx Variant Classification (06012015). Collection method: clinical testing. Allele origin: germline. Affected: yes.
Comment: This variant is considered likely benign or benign based on one or more of the following criteria: it is a conservative change, it occurs at a poorly conserved position in the protein, it is predicted to be benign by multiple in silico algorithms, and/or has population frequency not consistent with disease.

NM_001195518.2(MICU1):c.1072-270T>C

Gene: MICU1 (mitochondrial calcium uptake 1; minus strand). Cytogenetic location: 10q22.1.
Variant type: single nucleotide variant.
Coding change: c.1072-270T>C on transcript NM_001195518.2 (MANE Select); 270 bases into the intron before coding-DNA position 1072, T replaced by C.
Molecular consequence: intron variant.
Genome position (GRCh38, 1-based): chr10:72,408,307, A>G on the plus strand (T>C on the coding strand, the complement: MICU1 is on the minus strand). VCF-style: chr10-72408307-A-G. GRCh37 (hg19) VCF-style: chr10-74168065-A-G.
Other names: c.1078-270T>C (NM_006077.4); c.1090-270T>C (NM_001363513.2); c.478-270T>C (NM_001195519.2).
Identifiers: ClinVar variation 673740 (VCV000673740.1), dbSNP rs115320242, ClinGen allele CA209542729.